The following is an entry in ClinVar:

ClinVar aggregate classification (germline): Uncertain significance (1 of 4 stars; one submission).

Conditions:
NIK deficiency. Also called: Primary immunodeficiency with multifaceted aberrant lymphoid immunity. Identifiers: Orphanet 447731, MedGen C5680065, MONDO:0018642.

Allele frequency attached by ClinVar (database versions not stated): gnomAD exomes below 0.00001.
gnomAD v4.1: 3 of 1,613,512 alleles (0.00019%); highest among the groups gnomAD compares: South Asian, 0.0011%; no homozygotes.

Submission:

Labcorp Genetics (formerly Invitae), Labcorp
Classification: Uncertain significance for NIK deficiency. Last evaluated: 2022-05-11. Review status: criteria provided, single submitter. Criteria: Invitae Variant Classification Sherloc (09022015). Collection method: clinical testing. Allele origin: germline.
Comment: In summary, the available evidence is currently insufficient to determine the role of this variant in disease. Therefore, it has been classified as a Variant of Uncertain Significance. Experimental studies and prediction algorithms are not available or were not evaluated, and the functional significance of this variant is currently unknown. This variant has not been reported in the literature in individuals affected with MAP3K14-related conditions. This variant is not present in population databases (gnomAD no frequency). This sequence change replaces valine, which is neutral and non-polar, with isoleucine, which is neutral and non-polar, at codon 579 of the MAP3K14 protein (p.Val579Ile).

NM_003954.5(MAP3K14):c.1735G>A (p.Val579Ile)

Gene: MAP3K14 (mitogen-activated protein kinase kinase kinase 14; minus strand). Cytogenetic location: 17q21.31.
Variant type: single nucleotide variant.
Coding change: c.1735G>A on transcript NM_003954.5 (MANE Select); coding-DNA position 1735, G replaced by A.
Protein change: p.Val579Ile; replaces valine 579 with isoleucine.
Molecular consequence: missense variant.
Genome position (GRCh38, 1-based): chr17:45,271,144, C>T on the plus strand (G>A on the coding strand, the complement: MAP3K14 is on the minus strand). VCF-style: chr17-45271144-C-T. GRCh37 (hg19) VCF-style: chr17-43348511-C-T.
Other names: short protein forms V579I.
Identifiers: ClinVar variation 2132715 (VCV002132715.4), dbSNP rs2044139872, ClinGen allele CA399879957.